The following is an entry in ClinVar:

ClinVar aggregate classification (germline): Uncertain significance (1 of 4 stars; one submission).

Conditions:
Familial thoracic aortic aneurysm and aortic dissection (TAAD). Also called: Thoracic aortic aneurysms and dissections. Identifiers: Orphanet 91387, MedGen C4707243, MONDO:0019625.

gnomAD v4.1: 1 of 1,614,222 alleles (0.000062%); highest among the groups gnomAD compares: African/African-American, 0.0013%; no homozygotes.

Submission:

Color Diagnostics, LLC DBA Color Health
Classification: Uncertain significance for Familial thoracic aortic aneurysm and aortic dissection. Last evaluated: 2025-09-05. Review status: criteria provided, single submitter. Criteria: ACMG Guidelines, 2015. Collection method: clinical testing. Allele origin: germline.
Comment: This missense variant replaces histidine with glutamine at codon 2615 of the FBN1 protein. Computational prediction suggests that this variant may not impact protein structure and function. To our knowledge, functional studies have not been reported for this variant. This variant has not been reported in individuals affected with FBN1-related disorders in the literature. This variant has not been identified in the general population by the Genome Aggregation Database (gnomAD). The available evidence is insufficient to determine the role of this variant in disease conclusively. Therefore, this variant is classified as a Variant of Uncertain Significance.

NM_000138.5(FBN1):c.7845C>G (p.His2615Gln)

Gene: FBN1 (fibrillin 1; minus strand). Cytogenetic location: 15q21.1.
Variant type: single nucleotide variant.
Coding change: c.7845C>G on transcript NM_000138.5 (MANE Select); coding-DNA position 7845, C replaced by G.
Protein change: p.His2615Gln; replaces histidine 2615 with glutamine.
Molecular consequence: missense variant.
Genome position (GRCh38, 1-based): chr15:48,415,742, G>C on the plus strand (C>G on the coding strand, the complement: FBN1 is on the minus strand). VCF-style: chr15-48415742-G-C. GRCh37 (hg19) VCF-style: chr15-48707939-G-C.
Other names: c.7845C>G, p.His2615Gln (NM_001406716.1); short protein forms H2615Q.
Identifiers: ClinVar variation 4756559 (VCV004756559.1).